The following is an entry in ClinVar:

ClinVar aggregate classification (germline): Conflicting classifications of pathogenicity. Review status: criteria provided, conflicting classifications (1 of 4 stars). 4 submissions from 3 submitters: Uncertain significance (1); Likely benign (3). Last evaluated 2023-10-18.

Conditions:
Osteogenesis imperfecta type I (OI1). Also called: Lobstein disease; OI, TYPE I; OSTEOGENESIS IMPERFECTA TARDA; OSTEOGENESIS IMPERFECTA WITH BLUE SCLERAE; Classic Non-deforming Osteogenesis Imperfecta with Blue Sclerae; Osteogenesis imperfecta type 1. Identifiers: Orphanet 216796, Orphanet 666, MedGen C0023931, MONDO:0008146, OMIM 166200. Disease mechanism: loss of function.
Ehlers-Danlos syndrome, classic type, 1 (EDSCL1). Also called: EHLERS-DANLOS SYNDROME, GRAVIS TYPE; EHLERS-DANLOS SYNDROME, SEVERE CLASSIC TYPE; Ehlers-Danlos Syndrome, Classic Type, COL5A1-Related; EDS I; Ehlers-Danlos syndrome, type 1. Identifiers: MedGen C0268335, MONDO:0019567, OMIM 130000.
Connective tissue disorder. Also called: Connective tissue disease. Identifiers: MedGen C0009782, MONDO:0003900.
Osteogenesis imperfecta (OI). Identifiers: Orphanet 666, MedGen C0029434, MeSH D010013, MONDO:0019019.
Ehlers-Danlos syndrome, arthrochalasia type, 2. Also called: EHLERS-DANLOS SYNDROME, TYPE VIIB, AUTOSOMAL DOMINANT. Identifiers: MedGen CN293783, MONDO:0040501, OMIM 617821.

Allele frequency attached by ClinVar (database versions not stated): gnomAD 0.00001; TOPMed 0.00001; gnomAD exomes 0.00001; ExAC 0.00002.
gnomAD v4.1: 6 of 1,317,318 alleles (0.00046%); highest among the groups gnomAD compares: African/African-American, 0.0044%; no homozygotes.

Submissions (4):

Labcorp Genetics (formerly Invitae), Labcorp
Classification: Likely benign for Osteogenesis imperfecta type I; Ehlers-Danlos syndrome, classic type, 1. Last evaluated: 2023-10-18. Review status: criteria provided, single submitter. Criteria: Invitae Variant Classification Sherloc (09022015). Collection method: clinical testing. Allele origin: germline.

Illumina Laboratory Services, Illumina
Classification: Uncertain significance for Osteogenesis imperfecta. Last evaluated: 2018-01-13. Review status: criteria provided, single submitter. Criteria: ICSL Variant Classification Criteria 13 December 2019. Collection method: clinical testing. Allele origin: germline.

Illumina Laboratory Services, Illumina
Classification: Likely benign for Ehlers-Danlos syndrome, arthrochalasia type, 2. Last evaluated: 2018-01-13. Review status: criteria provided, single submitter. Criteria: ICSL Variant Classification Criteria 13 December 2019. Collection method: clinical testing. Allele origin: germline.
Comment: This variant was observed in the ICSL laboratory as part of a predisposition screen in an ostensibly healthy population. It had not been previously curated by ICSL or reported in the Human Gene Mutation Database (HGMD: prior to June 1st, 2018), and was therefore a candidate for classification through an automated scoring system. Utilizing variant allele frequency, disease prevalence and penetrance estimates, and inheritance mode, an automated score was calculated to assess if this variant is too frequent to cause the disease. Based on the score and internal cut-off values, a variant classified as likely benign is not then subjected to further curation. The score for this variant resulted in a classification of likely benign for this disease.

Center for Human Genetics, Inc
Classification: Likely benign for Connective tissue disorder. Last evaluated: 2016-11-01. Review status: criteria provided, single submitter. Criteria: ACMG Guidelines, 2015. Collection method: clinical testing. Allele origin: germline. Affected: yes.

NM_000089.4(COL1A2):c.81+8A>C

Gene: COL1A2 (collagen type I alpha 2 chain; plus strand). Cytogenetic location: 7q21.3.
Variant type: single nucleotide variant.
Coding change: c.81+8A>C on transcript NM_000089.4 (MANE Select); 8 bases into the intron after coding-DNA position 81, A replaced by C.
Molecular consequence: intron variant.
Genome position (GRCh38, 1-based): chr7:94,397,766, A>C. VCF-style: chr7-94397766-A-C. GRCh37 (hg19) VCF-style: chr7-94027078-A-C.
Identifiers: ClinVar variation 360943 (VCV000360943.8), dbSNP rs765118884, ClinGen allele CA4346456.